The following is an entry in ClinVar:

NM_018972.4(GDAP1):c.466G>T (p.Ala156Ser)

Gene: GDAP1 (ganglioside induced differentiation associated protein 1; plus strand). Cytogenetic location: 8q21.11.
Variant type: single nucleotide variant.
Coding change: c.466G>T on transcript NM_018972.4 (MANE Select); coding-DNA position 466, G replaced by T.
Protein change: p.Ala156Ser; replaces alanine 156 with serine.
Molecular consequence: missense variant. On other transcripts: intron variant (1).
Genome position (GRCh38, 1-based): chr8:74,360,292, G>T. VCF-style: chr8-74360292-G-T. GRCh37 (hg19) VCF-style: chr8-75272527-G-T.
Other names: c.262G>T, p.Ala88Ser (NM_001040875.4); c.139G>T, p.Ala47Ser (NM_001362929.2, NM_001362932.2); c.466G>T, p.Ala156Ser (NM_001362931.2); c.311-1592G>T (NM_001362930.2); short protein forms A156S, A88S, A47S.
Identifiers: ClinVar variation 1043085 (VCV001043085.11), dbSNP rs1809302381, ClinGen allele CA371548931.

ClinVar aggregate classification (germline): Conflicting classifications of pathogenicity. Review status: criteria provided, conflicting classifications (1 of 4 stars). 2 submissions from 2 submitters: Likely pathogenic (1); Uncertain significance (1). Last evaluated 2025-12-09.

Conditions:
Charcot-Marie-Tooth disease type 4A. Also called: Charcot-Marie-Tooth disease, demyelinating, autosomal recessive, type 4a. Identifiers: Orphanet 99948, MedGen C1859198, MONDO:0008961, OMIM 214400.

Submissions (2):

Labcorp Genetics (formerly Invitae), Labcorp
Classification: Likely pathogenic for Charcot-Marie-Tooth disease type 4A. Last evaluated: 2025-12-09. Review status: criteria provided, single submitter. Criteria: Invitae Variant Classification Sherloc (09022015). Collection method: clinical testing. Allele origin: germline.
Comment: This sequence change replaces alanine, which is neutral and non-polar, with serine, which is neutral and polar, at codon 156 of the GDAP1 protein (p.Ala156Ser). This variant is not present in population databases (gnomAD no frequency). This missense change has been observed in individual(s) with autosomal dominant GDAP1-related conditions (internal data). ClinVar contains an entry for this variant (Variation ID: 1043085). Invitae Evidence Modeling of protein sequence and biophysical properties (such as structural, functional, and spatial information, amino acid conservation, physicochemical variation, residue mobility, and thermodynamic stability) indicates that this missense variant is not expected to disrupt GDAP1 protein function with a negative predictive value of 80%. This variant disrupts the p.Ala156 amino acid residue in GDAP1. Other variant(s) that disrupt this residue have been determined to be pathogenic (PMID: 21753178). This suggests that this residue is clinically significant, and that variants that disrupt this residue are likely to be disease-causing. In summary, the currently available evidence indicates that the variant is pathogenic, but additional data are needed to prove that conclusively. Therefore, this variant has been classified as Likely Pathogenic.

Athena Diagnostics
Classification: Uncertain significance. Last evaluated: 2021-12-28. Review status: criteria provided, single submitter. Criteria: Athena Diagnostics Criteria. Collection method: clinical testing. Allele origin: unknown.

Literature cited by the submitters: PubMed 21753178 (cited by Labcorp Genetics (formerly Invitae), Labcorp).